The following is an entry in ClinVar:

ClinVar aggregate classification (germline): Uncertain significance. Review status: criteria provided, multiple submitters, no conflicts (2 of 4 stars). 2 submissions from 2 submitters: Uncertain significance (2). Last evaluated 2025-09-29.

Conditions:
Ataxia-telangiectasia syndrome (AT). Also called: AT, COMPLEMENTATION GROUP C; Ataxia-telangiectasia, complementation group D; ATAXIA-TELANGIECTASIA, COMPLEMENTATION GROUP A; ATAXIA-TELANGIECTASIA, FRESNO VARIANT; Ataxia-telangiectasia; Ataxia-telangiectasia, complementation group E. Identifiers: Orphanet 100, MedGen C0004135, MONDO:0008840, OMIM 208900.
Familial cancer of breast. Also called: hereditary breast carcinoma; BREAST CANCER, FAMILIAL; Hereditary breast cancer. Identifiers: Orphanet 227535, MedGen C0346153, MONDO:0016419, OMIM 114480. Disease mechanism: loss of function.

Submissions (2):

Labcorp Genetics (formerly Invitae), Labcorp
Classification: Uncertain significance for Ataxia-telangiectasia syndrome. Last evaluated: 2025-09-29. Review status: criteria provided, single submitter. Criteria: Invitae Variant Classification Sherloc (09022015). Collection method: clinical testing. Allele origin: germline.
Comment: This sequence change replaces glycine, which is neutral and non-polar, with arginine, which is basic and polar, at codon 2186 of the ATM protein (p.Gly2186Arg). This variant is not present in population databases (gnomAD no frequency). This variant has not been reported in the literature in individuals affected with ATM-related conditions. ClinVar contains an entry for this variant (Variation ID: 3240767). Invitae Evidence Modeling of protein sequence and biophysical properties (such as structural, functional, and spatial information, amino acid conservation, physicochemical variation, residue mobility, and thermodynamic stability) indicates that this missense variant is not expected to disrupt ATM protein function with a negative predictive value of 95%. In summary, the available evidence is currently insufficient to determine the role of this variant in disease. Therefore, it has been classified as a Variant of Uncertain Significance.

Baylor Genetics
Classification: Uncertain significance for Familial cancer of breast. Last evaluated: 2024-02-26. Review status: criteria provided, single submitter. Criteria: ACMG Guidelines, 2015. Collection method: clinical testing. Allele origin: unknown.

NM_000051.4(ATM):c.6556G>C (p.Gly2186Arg)

Genes: ATM (ATM serine/threonine kinase; plus strand), C11orf65 (chromosome 11 open reading frame 65; minus strand). Cytogenetic location: 11q22.3.
Variant type: single nucleotide variant.
Coding change: c.6556G>C on transcript NM_000051.4 (MANE Select); coding-DNA position 6556, G replaced by C.
Protein change: p.Gly2186Arg; replaces glycine 2186 with arginine.
Molecular consequence: missense variant. On other transcripts: intron variant (2).
Genome position (GRCh38, 1-based): chr11:108,321,404, G>C. VCF-style: chr11-108321404-G-C. GRCh37 (hg19) VCF-style: chr11-108192131-G-C.
Other names: c.6556G>C, p.Gly2186Arg (NM_001351834.2); c.641-12333C>G (NM_001330368.2); c.*39-12333C>G (NM_001351110.2); short protein forms G2186R.
Identifiers: ClinVar variation 3240767 (VCV003240767.1), dbSNP rs2136242830.